The following is an entry in ClinVar:

NM_000038.6(APC):c.2240C>G (p.Ser747Ter)

Gene: APC (APC regulator of Wnt signaling pathway; plus strand). Cytogenetic location: 5q22.2.
Variant type: single nucleotide variant.
Coding change: c.2240C>G on transcript NM_000038.6 (MANE Select); coding-DNA position 2240, C replaced by G.
Protein change: p.Ser747Ter; replaces serine 747 with a stop codon.
Molecular consequence: nonsense.
Genome position (GRCh38, 1-based): chr5:112,837,834, C>G. VCF-style: chr5-112837834-C-G. GRCh37 (hg19) VCF-style: chr5-112173531-C-G.
Other names: NM_000038.6(APC):c.2240C>G; p.Ser747Ter; c.2240C>G, p.Ser747Ter (NM_001127510.3, NM_001354895.2); c.2186C>G, p.Ser729Ter (NM_001127511.3); c.2294C>G, p.Ser765Ter (NM_001354896.2); c.2270C>G, p.Ser757Ter (NM_001354897.2); c.2165C>G, p.Ser722Ter (NM_001354898.2); c.2156C>G, p.Ser719Ter (NM_001354899.2); and 7 more; short protein forms S729*, S747*, S464*, S646*, S688*, S722*, S765*, S587*.
Identifiers: ClinVar variation 411368 (VCV000411368.52), dbSNP rs773020689, ClinGen allele CA16026241.
Genomic context (GRCh38, chr5:112,837,834, plus strand): 5'-GGAATCTCATGGCAAATAGGCCTGCGAAGTACAAGGATGCCAATATTATGTCTCCTGGCT[C>G]AAGCTTGCCATCTCTTCATGTTAGGAAACAAAAAGCCCTAGAAGCAGAATTAGATGCTCA-3'

ClinVar aggregate classification (germline): Pathogenic. Review status: reviewed by expert panel (3 of 4 stars). 5 submissions from 5 submitters: Pathogenic (1). 4 of the submissions do not count toward it. Last evaluated 2025-05-19.

Conditions:
Familial adenomatous polyposis 1 (FAP1). Also called: FAMILIAL ADENOMATOUS POLYPOSIS 1, ATTENUATED; POLYPOSIS, ADENOMATOUS INTESTINAL. Identifiers: MedGen C2713442, MONDO:0021056, OMIM 175100. Disease mechanism: loss of function.
Hereditary cancer-predisposing syndrome. Also called: Hereditary Cancer Syndrome; Neoplastic Syndromes, Hereditary; Tumor predisposition; Hereditary neoplastic syndrome. Identifiers: Orphanet 140162, MedGen C0027672, MeSH D009386, MONDO:0015356.

Submissions (5):

ClinGen InSiGHT Hereditary Colorectal Cancer/Polyposis Variant Curation Expert Panel
Classification: Pathogenic for Familial adenomatous polyposis 1. Last evaluated: 2025-05-19. Review status: reviewed by expert panel. Criteria: ClinGen InSiGHT HCCP VCEP ACMG Specifications APC V1. Collection method: curation. Allele origin: germline. Inheritance: Autosomal dominant inheritance.
Comment: The NM_000038.6:c.2240C>G p.(Ser747Ter) variant in APC is a nonsense variant located between codon 49 and 2645 and predicted to cause a premature stop codon in exon 16 in a gene in which loss-of-function is an established disease mechanism (PVS1). This variant has been reported in 7 probands meeting phenotypic criteria, resulting in a total phenotype score 3.5 (PS4_Moderate, [PMID: 20223039, PMID: 20685668, PMID: 22135120, internal data Institute of Human Genetics, Bonn]). The variant has been reported in 4 additional probands with a polyposis associated phenotype not meeting phenotypic criteria (PMID: 35189564). This variant has been identified as a de novo occurrence with unconfirmed parental relationships in 1 individual with FAP, resulting in a total de novo score of 0.5 (PM6_Supporting, [PMID: 22135120]). This variant is absent from gnomAD v2.1.1 (PM2_Supporting). In summary, this variant meets the criteria to be classified as Pathogenic for autosomal-dominant inherited FAP based on the ACMG/AMP criteria applied, as specified by the ClinGen InSiGHT Hereditary Colorectal Cancer/Polyposis VCEP: criteria PVS1, PS4_Moderate, PM2_Supporting and PM6_Supporting applied (VCEP specifications version v2.1.0; date of approval 11/24/2023).

Labcorp Genetics (formerly Invitae), Labcorp
Classification: Pathogenic for Familial adenomatous polyposis 1. Last evaluated: 2025-05-06. Review status: criteria provided, single submitter. Criteria: Invitae Variant Classification Sherloc (09022015). Collection method: clinical testing. Allele origin: germline. Not counted in ClinVar's aggregate classification.
Comment: This sequence change creates a premature translational stop signal (p.Ser747*) in the APC gene. While this is not anticipated to result in nonsense mediated decay, it is expected to disrupt the last 2097 amino acid(s) of the APC protein. This variant is not present in population databases (gnomAD no frequency). This premature translational stop signal has been observed in individual(s) with familial adenomatous polyposis (PMID: 11247896, 20223039, 20685668). ClinVar contains an entry for this variant (Variation ID: 411368). This variant is expected to disrupt the EB1 and HDLG binding sites, which mediate interactions with the cytoskeleton (PMID: 15311282, 17293347). While functional studies have not been performed to directly test the effect on APC protein function, this suggests that disruption of the C-terminal portion of the protein is functionally important. A different truncation (p.Tyr2645Lysfs*14) that lies downstream of this variant has been determined to be pathogenic (PMID: 9824584, 1316610, 27081525, 8381579, 22135120, internal data). This suggests that deletion of this region of the APC protein is causative of disease. For these reasons, this variant has been classified as Pathogenic.

Ambry Genetics
Classification: Pathogenic for Hereditary cancer-predisposing syndrome. Last evaluated: 2023-06-16. Review status: criteria provided, single submitter. Criteria: Ambry Variant Classification Scheme 2023. Collection method: clinical testing. Allele origin: germline. Not counted in ClinVar's aggregate classification.
Comment: The p.S747* pathogenic mutation (also known as c.2240C>G), located in coding exon 15 of the APC gene, results from a C to G substitution at nucleotide position 2240. This changes the amino acid from a serine to a stop codon within coding exon 15. This alteration was identified in multiple patients with a clinical diagnosis of FAP or AFAP (Burger B et al. Oncologist, 2011 Dec;16:1698-705; Friedl W et al. Gut, 2001 Apr;48:515-21; Friedl W et al. Hered Cancer Clin Pract, 2005 Sep;3:95-114; Lagarde A et al. J. Med. Genet., 2010 Oct;47:721-2; Pang M et al. Mol Med Rep, 2018 Aug;18:1423-1432). In addition to the clinical data presented in the literature, this alteration is expected to result in loss of function by premature protein truncation or nonsense-mediated mRNA decay. As such, this alteration is interpreted as a disease-causing mutation.

Myriad Genetics, Inc.
Classification: Pathogenic for Familial adenomatous polyposis 1. Last evaluated: 2023-05-04. Review status: criteria provided, single submitter. Criteria: Myriad Autosomal Dominant, Autosomal Recessive and X-Linked Classification Criteria (2023). Collection method: clinical testing. Allele origin: unknown. Not counted in ClinVar's aggregate classification.
Comment: This variant is considered pathogenic. This variant creates a termination codon and is predicted to result in premature protein truncation.

Genomic Medicine Center of Excellence, King Faisal Specialist Hospital and Research Centre
Classification: Uncertain significance for Familial adenomatous polyposis 1. Last evaluated: 2024-03-26. Review status: flagged submission. Criteria: ACMG Guidelines, 2015. Collection method: clinical testing. Allele origin: germline. Not counted in ClinVar's aggregate classification.
ClinVar note: Reason: Outlier claim with insufficient supporting evidence

Literature cited by the submitters: PubMed 11247896 (cited by Labcorp Genetics (formerly Invitae), Labcorp and Ambry Genetics); PubMed 20223039 (cited by Labcorp Genetics (formerly Invitae), Labcorp and Ambry Genetics); PubMed 20685668 (cited by Labcorp Genetics (formerly Invitae), Labcorp and Ambry Genetics); PubMed 15311282 (cited by Labcorp Genetics (formerly Invitae), Labcorp); PubMed 17293347 (cited by Labcorp Genetics (formerly Invitae), Labcorp); PubMed 9824584 (cited by Labcorp Genetics (formerly Invitae), Labcorp); PubMed 1316610 (cited by Labcorp Genetics (formerly Invitae), Labcorp); PubMed 27081525 (cited by Labcorp Genetics (formerly Invitae), Labcorp); PubMed 8381579 (cited by Labcorp Genetics (formerly Invitae), Labcorp); PubMed 22135120 (cited by Labcorp Genetics (formerly Invitae), Labcorp and Ambry Genetics); PubMed 29901124 (cited by Ambry Genetics).